The following is an entry in ClinVar:

ClinVar aggregate classification (germline): Uncertain significance (1 of 4 stars; one submission).

Conditions:
Charcot-Marie-Tooth disease axonal type 2F (CMT2F). Also called: CHARCOT-MARIE-TOOTH DISEASE, NEURONAL, TYPE 2F; Charcot-Marie-Tooth Neuropathy Type 2F. Identifiers: Orphanet 99940, MedGen C1847823, MONDO:0011687, OMIM 606595.

Allele frequency attached by ClinVar (database versions not stated): gnomAD exomes below 0.00001 and 0.00001; gnomAD 0.00001; TOPMed 0.00001.
gnomAD v4.1: 3 of 1,544,664 alleles (0.00019%); highest among the groups gnomAD compares: Non-Finnish European, 0.00026%; no homozygotes.

Submission:

Labcorp Genetics (formerly Invitae), Labcorp
Classification: Uncertain significance for Charcot-Marie-Tooth disease axonal type 2F. Last evaluated: 2020-11-11. Review status: criteria provided, single submitter. Criteria: Invitae Variant Classification Sherloc (09022015). Collection method: clinical testing. Allele origin: germline.
Comment: In summary, the available evidence is currently insufficient to determine the role of this variant in disease. Therefore, it has been classified as a Variant of Uncertain Significance. The frequency data for this variant in the population databases is considered unreliable, as metrics indicate insufficient coverage at this position in the ExAC database. This variant has not been reported in the literature in individuals with HSPB1-related conditions. Algorithms developed to predict the effect of missense changes on protein structure and function are either unavailable or do not agree on the potential impact of this missense change (SIFT: "Deleterious"; PolyPhen-2: "Probably Damaging"; Align-GVGD: "Class C0"). This sequence change replaces alanine with proline at codon 76 of the HSPB1 protein (p.Ala76Pro). The alanine residue is highly conserved and there is a small physicochemical difference between alanine and proline.

NM_001540.5(HSPB1):c.226G>C (p.Ala76Pro)

Gene: HSPB1 (heat shock protein family B (small) member 1; plus strand). Cytogenetic location: 7q11.23.
Variant type: single nucleotide variant.
Coding change: c.226G>C on transcript NM_001540.5 (MANE Select); coding-DNA position 226, G replaced by C.
Protein change: p.Ala76Pro; replaces alanine 76 with proline.
Molecular consequence: missense variant.
Genome position (GRCh38, 1-based): chr7:76,302,938, G>C. VCF-style: chr7-76302938-G-C. GRCh37 (hg19) VCF-style: chr7-75932255-G-C.
Other names: short protein forms A76P.
Identifiers: ClinVar variation 1512822 (VCV001512822.8), dbSNP rs968191590, ClinGen allele CA160899418.